The following is an entry in ClinVar:

NM_017780.4(CHD7):c.5010del (p.Thr1671fs)

Gene: CHD7 (chromodomain helicase DNA binding protein 7; plus strand). Cytogenetic location: 8q12.2.
Variant type: Deletion.
Coding change: c.5010del on transcript NM_017780.4 (MANE Select); coding-DNA position 5010, one base deleted (C; older notation c.5010delC).
Protein change: p.Thr1671fs; shifts the reading frame from threonine 1671.
Molecular consequence: frameshift variant. On other transcripts: intron variant (1).
Genome position (GRCh38, 1-based): chr8:60,845,023, C deleted; the last of 3 consecutive C bases (chr8:60,845,021-60,845,023); deleting any one gives the same sequence. VCF-style (leftmost placement, unchanged base first): chr8-60845020-AC-A. GRCh37 (hg19) VCF-style: chr8-61757579-AC-A.
Other names: c.1717-17206del (NM_001316690.1); short protein forms T1671fs.
Identifiers: ClinVar variation 4850550 (VCV004850550.1).
Genomic context (GRCh38, chr8:60,845,020, plus strand): 5'-CTGTCTTAATCATTACAAAGGGGATGAGAATATCAAAAGCTTCATCTGGGATCTGATCAC[AC>A]CCACAGCGGATGGCCAGACTCGAGCCTTGGTCAACCATTCCGGTAGGTCTCCACCATGCT-3'

ClinVar aggregate classification (germline): Pathogenic (1 of 4 stars; one submission).

Conditions:
CHD7-related CHARGE syndrome. Identifiers: MedGen CN380413, MONDO:1010178, OMIM 214800.

Submission:

Institute of Human Genetics, Heidelberg University
Classification: Pathogenic for CHD7-related CHARGE syndrome. Last evaluated: 2026-03-06. Review status: criteria provided, single submitter. Criteria: ACMG Guidelines, 2015. Collection method: clinical testing. Allele origin: de novo. Affected: yes. Observed: 1 variant allele.
Comment: PS2_str, PM2_supp, PVS1_vs, PP4_str